The following is an entry in ClinVar:

NM_000138.5(FBN1):c.7820-2A>G

Gene: FBN1 (fibrillin 1; minus strand). Cytogenetic location: 15q21.1.
Variant type: single nucleotide variant.
Coding change: c.7820-2A>G on transcript NM_000138.5 (MANE Select); the canonical splice acceptor site of the intron before coding-DNA position 7820, A replaced by G.
Molecular consequence: splice acceptor variant.
Genome position (GRCh38, 1-based): chr15:48,415,769, T>C on the plus strand (A>G on the coding strand, the complement: FBN1 is on the minus strand). VCF-style: chr15-48415769-T-C. GRCh37 (hg19) VCF-style: chr15-48707966-T-C.
Other names: c.7820-2A>G (NM_001406716.1).
Identifiers: ClinVar variation 4074367 (VCV004074367.2).

ClinVar aggregate classification (germline): Pathogenic/Likely pathogenic. Review status: criteria provided, multiple submitters, no conflicts (2 of 4 stars). 2 submissions from 2 submitters: Pathogenic (1); Likely pathogenic (1). Last evaluated 2025-05-29.

Conditions:
Marfan syndrome (MFS). Also called: MARFAN SYNDROME, TYPE I; Marfan syndrome type 1; Marfan's syndrome; FBN1-Related Marfan Syndrome; Marfan syndrome, classic. Identifiers: Orphanet 284963, Orphanet 558, MedGen C0024796, MONDO:0007947, OMIM 154700.
Familial thoracic aortic aneurysm and aortic dissection (TAAD). Also called: Thoracic aortic aneurysms and dissections. Identifiers: Orphanet 91387, MedGen C4707243, MONDO:0019625.

Submissions (2):

Labcorp Genetics (formerly Invitae), Labcorp
Classification: Likely pathogenic for Marfan syndrome; Familial thoracic aortic aneurysm and aortic dissection. Last evaluated: 2025-05-29. Review status: criteria provided, single submitter. Criteria: Invitae Variant Classification Sherloc (09022015). Collection method: clinical testing. Allele origin: germline.
Comment: This sequence change affects an acceptor splice site in intron 63 of the FBN1 gene. It is expected to disrupt RNA splicing. Variants that disrupt the donor or acceptor splice site typically lead to a loss of protein function (PMID: 16199547), and loss-of-function variants in FBN1 are known to be pathogenic (PMID: 17657824, 19293843). This variant is not present in population databases (gnomAD no frequency). Disruption of this splice site has been observed in individual(s) with clinical features of Marfan syndrome (PMID: 25652356; internal data). Algorithms developed to predict the effect of sequence changes on RNA splicing suggest that this variant may disrupt the consensus splice site. In summary, the currently available evidence indicates that the variant is pathogenic, but additional data are needed to prove that conclusively. Therefore, this variant has been classified as Likely Pathogenic.

GeneDx
Classification: Pathogenic. Last evaluated: 2025-02-11. Review status: criteria provided, single submitter. Criteria: GeneDx Variant Classification Process June 2021. Collection method: clinical testing. Allele origin: germline. Affected: yes.
Comment: Identified in one individual with features of Marfan syndrome in published literature (PMID: 9401003); Canonical splice site variant predicted to result in a null allele in a gene for which loss of function is a known mechanism of disease; Not observed at significant frequency in large population cohorts (gnomAD); This variant is associated with the following publications: (PMID: 9401003)

Literature cited by the submitters: PubMed 16199547 (cited by Labcorp Genetics (formerly Invitae), Labcorp); PubMed 17657824 (cited by Labcorp Genetics (formerly Invitae), Labcorp); PubMed 19293843 (cited by Labcorp Genetics (formerly Invitae), Labcorp); PubMed 25652356 (cited by Labcorp Genetics (formerly Invitae), Labcorp).